The following is an entry in ClinVar:

NM_000152.5(GAA):c.323_324inv (p.Cys108Tyr)

Gene: GAA (alpha glucosidase; plus strand). Cytogenetic location: 17q25.3.
Variant type: Inversion.
Coding change: c.323_324inv on transcript NM_000152.5 (MANE Select).
Protein change: p.Cys108Tyr; replaces cysteine 108 with tyrosine.
Molecular consequence: missense variant.
Genome position: GRCh38 VCF-style: chr17-80104909-GT-AC. GRCh37 (hg19) VCF-style: chr17-78078708-GT-AC.
Other names: c.323_324inv, p.Cys108Tyr (NM_001079803.3, NM_001079804.3, NM_001406741.1 and 1 more transcripts); short protein forms C108Y.
Identifiers: ClinVar variation 4876453 (VCV004876453.1).

ClinVar aggregate classification (germline): Uncertain significance (1 of 4 stars; one submission).

Conditions:
Glycogen storage disease, type II (IOPD). Also called: Pompe Disease; CARDIOMEGALIA GLYCOGENICA DIFFUSA; GLYCOGENOSIS, GENERALIZED, CARDIAC FORM; GSD II; POMPE DISEASE, INFANTILE-ONSET; GLYCOGEN STORAGE DISEASE II, INFANTILE-ONSET. Identifiers: Orphanet 365, MedGen C0017921, MONDO:0009290, OMIM 232300.

Submission:

Genomenon, Inc
Classification: Uncertain significance for Glycogen storage disease, type II. Last evaluated: 2026-07-01. Review status: criteria provided, single submitter. Criteria: Genomenon Sequence Variant Interpretation Standards - Updated. Collection method: curation. Allele origin: germline. Affected: yes.
Comment: GAA p.Cys108Tyr (c.323_324inv) is a missense variant that changes the amino acid at codon 108 from Cysteine to Tyrosine. This variant has been observed in at least one proband with a GAA-related disorder in the compound heterozygous and/or homozygous state (PMID:33301762). It is absent or not present at a significant frequency in gnomAD. In silico models predict that this variant is possibly or probably damaging. In conclusion, we classify GAA p.Cys108Tyr (c.323_324inv) as a variant of uncertain significance.

Literature cited by the submitters: PubMed 33301762.